The following is an entry in ClinVar:

NM_003742.4(ABCB11):c.3593A>G (p.His1198Arg)

Gene: ABCB11 (ATP binding cassette subfamily B member 11; minus strand). Cytogenetic location: 2q31.1.
Variant type: single nucleotide variant.
Coding change: c.3593A>G on transcript NM_003742.4 (MANE Select); coding-DNA position 3593, A replaced by G.
Protein change: p.His1198Arg; replaces histidine 1198 with arginine.
Molecular consequence: missense variant.
Genome position (GRCh38, 1-based): chr2:168,927,181, T>C on the plus strand (A>G on the coding strand, the complement: ABCB11 is on the minus strand). VCF-style: chr2-168927181-T-C. GRCh37 (hg19) VCF-style: chr2-169783691-T-C.
Other names: short protein forms H1198R.
Identifiers: ClinVar variation 3768553 (VCV003768553.3).
Genomic context (GRCh38, chr2:168,927,181, plus strand): 5'-TCTCTCATAGGGAATGGCTCTGACTTCGTACTCACCTCTGGGAGTGACATGACAAAATCA[T>C]GCAGCTGAGCCTGTTTTGCAGCTGCTATGACTCTTTCCATGGGAATTTCTTTGGTGTTGT-3'
Protein context (NP_003733.2, residues 1188-1208): VIAAAKQAQL[His1198Arg]DFVMSLPEKY

ClinVar aggregate classification (germline): Uncertain significance. Review status: criteria provided, multiple submitters, no conflicts (2 of 4 stars). 3 submissions from 3 submitters: Uncertain significance (3). Last evaluated 2026-04-14.

Conditions:
Familial intrahepatic cholestasis. Identifiers: Orphanet 284385, MedGen CN296401, MONDO:0017290.
Progressive familial intrahepatic cholestasis type 2. Identifiers: Orphanet 79304, MedGen C3489789, MONDO:0011156, OMIM 601847.

gnomAD v4.1: 1 of 1,613,866 alleles (0.000062%); highest among the groups gnomAD compares: Non-Finnish European, 0.000085%; no homozygotes.

Submissions (3):

Genomenon, Inc
Classification: Uncertain significance for Familial intrahepatic cholestasis. Last evaluated: 2026-04-14. Review status: criteria provided, single submitter. Criteria: Genomenon Sequence Variant Interpretation Standards - Updated. Collection method: curation. Allele origin: germline. Affected: yes.
Comment: ABCB11 p.His1198Arg (c.3593A>G) is a missense variant that changes the amino acid at residue 1198 from Histidine to Arginine. This variant has been observed in at least one proband with an ABCB11-related disorder (PMID:26382629;24339557;24969679). It has been observed in trans with a pathogenic or likely pathogenic variant (PMID:26382629;24969679). It is absent or not present at a significant frequency in gnomAD. In silico models predict that this variant is possibly or probably damaging. In conclusion, we classify ABCB11 p.His1198Arg (c.3593A>G) as a variant of uncertain significance.

Broad Center for Mendelian Genomics, Broad Institute of MIT and Harvard
Classification: Uncertain significance for Progressive familial intrahepatic cholestasis type 2. Last evaluated: 2025-01-23. Review status: criteria provided, single submitter. Criteria: ACMG Guidelines, 2015. Collection method: curation. Allele origin: germline. Inheritance: Autosomal recessive inheritance.
Comment: The p.His1198Arg variant in ABCB11 has been reported in 2 individuals with BSEP deficiency (PMID: 24339557, 32808743), and has been identified in 0.00008% (1/1179766) of European (non-Finnish) chromosomes by the Genome Aggregation Database (gnomAD). Although this variant has been seen in the general population in a heterozygous state, its frequency is low enough to be consistent with a recessive carrier frequency. Of the 2 affected individuals, 1 was a compound heterozygote that carried a reported pathogenic/likely pathogenic variant in trans, which increases the likelihood that the p.His1198Arg variant is pathogenic (Variation ID: 500467, PMID: 32808743). Computational prediction tools and conservation analyses suggest that this variant may impact the protein, though this information is not predictive enough to determine pathogenicity. In summary, while there is some suspicion for a pathogenic role, the clinical significance of this variant is uncertain. ACMG/AMP Criteria applied: PM3, PP3_moderate, PM2_supporting (Richards 2015).

Women's Health and Genetics/Laboratory Corporation of America, LabCorp
Classification: Uncertain significance. Last evaluated: 2024-12-17. Review status: criteria provided, single submitter. Criteria: LabCorp Variant Classification Summary - May 2015. Collection method: clinical testing. Allele origin: germline.
Comment: Variant summary: ABCB11 c.3593A>G (p.His1198Arg) results in a non-conservative amino acid change in the encoded protein sequence. Five of five in-silico tools predict a damaging effect of the variant on protein function. The variant was absent in 249072 control chromosomes (gnomAD). c.3593A>G has been reported in the literature in individuals affected with Familial Intrahepatic Cholestasis (Saber_2013, Li_2020). These data indicate that the variant may be associated with disease. To our knowledge, no experimental evidence demonstrating an impact on protein function has been reported. The following publications have been ascertained in the context of this evaluation (PMID: 24339557, 32808743). No submitters have cited clinical-significance assessments for this variant to ClinVar. Based on the evidence outlined above, the variant was classified as VUS-possibly pathogenic.

Literature cited by the submitters: PubMed 26382629 (cited by Genomenon, Inc); PubMed 24339557 (cited by Genomenon, Inc and Women's Health and Genetics/Laboratory Corporation of America, LabCorp); PubMed 24969679 (cited by Genomenon, Inc); PubMed 32808743 (cited by Women's Health and Genetics/Laboratory Corporation of America, LabCorp).